The following is an entry in ClinVar:

ClinVar aggregate classification (germline): Uncertain significance. Review status: criteria provided, multiple submitters, no conflicts (2 of 4 stars). 2 submissions from 2 submitters: Uncertain significance (2). Last evaluated 2022-07-01.

Conditions:
Cardiovascular phenotype. Identifiers: MedGen CN230736.
Long QT syndrome (LQTS). Identifiers: MedGen C0023976, MeSH D008133, MONDO:0002442. Disease mechanism: loss of function. Inheritance: Various modes of inheritance.

Allele frequency attached by ClinVar (database versions not stated): gnomAD exomes below 0.00001.
gnomAD v4.1: 1 of 1,607,338 alleles (0.000062%); highest among the groups gnomAD compares: Middle Eastern, 0.017%; no homozygotes.

Submissions (2):

Labcorp Genetics (formerly Invitae), Labcorp
Classification: Uncertain significance for Long QT syndrome. Last evaluated: 2022-07-01. Review status: criteria provided, single submitter. Criteria: Invitae Variant Classification Sherloc (09022015). Collection method: clinical testing. Allele origin: germline.
Comment: In summary, the available evidence is currently insufficient to determine the role of this variant in disease. Therefore, it has been classified as a Variant of Uncertain Significance. This sequence change replaces phenylalanine, which is neutral and non-polar, with serine, which is neutral and polar, at codon 3539 of the AKAP9 protein (p.Phe3539Ser). This variant is not present in population databases (gnomAD no frequency). This variant has not been reported in the literature in individuals affected with AKAP9-related conditions. Algorithms developed to predict the effect of missense changes on protein structure and function are either unavailable or do not agree on the potential impact of this missense change (SIFT: "Tolerated"; PolyPhen-2: "Probably Damaging"; Align-GVGD: "Class C0").

Ambry Genetics
Classification: Uncertain significance for Cardiovascular phenotype. Last evaluated: 2021-09-14. Review status: criteria provided, single submitter. Criteria: Ambry Variant Classification Scheme 2023. Collection method: clinical testing. Allele origin: germline.
Comment: The p.F3539S variant (also known as c.10616T>C), located in coding exon 43 of the AKAP9 gene, results from a T to C substitution at nucleotide position 10616. The phenylalanine at codon 3539 is replaced by serine, an amino acid with highly dissimilar properties. This amino acid position is conserved. In addition, this alteration is predicted to be tolerated by in silico analysis. Since supporting evidence is limited at this time, the clinical significance of this alteration remains unclear.

NM_005751.5(AKAP9):c.10616T>C (p.Phe3539Ser)

Gene: AKAP9 (A-kinase anchoring protein 9; plus strand). Cytogenetic location: 7q21.2.
Variant type: single nucleotide variant.
Coding change: c.10616T>C on transcript NM_005751.5 (MANE Select); coding-DNA position 10616, T replaced by C.
Protein change: p.Phe3539Ser; replaces phenylalanine 3539 with serine.
Molecular consequence: missense variant.
Genome position (GRCh38, 1-based): chr7:92,098,117, T>C. VCF-style: chr7-92098117-T-C. GRCh37 (hg19) VCF-style: chr7-91727431-T-C.
Other names: c.5261T>C, p.Phe1754Ser (NM_001379277.1); c.10592T>C, p.Phe3531Ser (NM_147185.3); short protein forms F3539S, F3531S, F1754S.
Identifiers: ClinVar variation 1780267 (VCV001780267.7), dbSNP rs2535304573, ClinGen allele CA368157535.